The following is an entry in ClinVar:

ClinVar aggregate classification (germline): Conflicting classifications of pathogenicity. Review status: criteria provided, conflicting classifications (1 of 4 stars). 2 submissions from 2 submitters: Uncertain significance (1); Likely benign (1). Last evaluated 2023-03-23.

Conditions:
Hereditary cancer-predisposing syndrome. Also called: Hereditary neoplastic syndrome; Tumor predisposition; Neoplastic Syndromes, Hereditary; Hereditary Cancer Syndrome. Identifiers: Orphanet 140162, MedGen C0027672, MeSH D009386, MONDO:0015356.

Submissions (2):

University of Washington Department of Laboratory Medicine, University of Washington
Classification: Likely benign for Hereditary cancer-predisposing syndrome. Last evaluated: 2023-03-23. Review status: criteria provided, single submitter. Criteria: Dines et al. (Genet Med. 2020). Collection method: curation. Allele origin: germline.
Comment: Missense variant in a coldspot region where missense variants are very unlikely to be pathogenic (PMID:31911673).

BRCA2 exon 11 coldspot. Reclassification based on statistical prior probability.

GeneDx
Classification: Uncertain significance. Last evaluated: 2015-03-27. Review status: criteria provided, single submitter. Criteria: GeneDx Variant Classification (06012015). Collection method: clinical testing. Allele origin: germline. Affected: yes.
Comment: This variant is denoted as BRCA2 c.3407_3414delTATTGCAGinsCATTGCAC at the cDNA level and p.I1136_Q1138delinsTLH at the protein level. The normal sequence, with the bases that are deleted and inserted in brackets, is TACA[delTATTGCAG][insCATTGCAC]AAGA. The deletion and insertion results in the replacement of an Isoleucine residue and a Glutamine residue with a Threonine residue and Histidine residue, respectively, creating two missense changes: Ile1136Thr and Gln1138His. The Leucine at position 1137 remains unchanged by this deletion and insertion. Neither this combined variant nor the individual missense changes have been reported in the literature as pathogenic or benign, to our knowledge. BRCA2 I1136_Q1138delinsTLH was not observed in approximately 6,500 individuals of European and African American ancestry in the NHLBI Exome Sequencing Project, indicating it is not a common benign variant in these populations. Since Isoleucine and Threonine differ in polarity, charge, size or other properties, it is considered a non-conservative amino acid substitution whereas Glutamine and Histidine differ in some properties and is considered a semi-conservative amino acid substitution. This variant alters positions that are not conserved across species and is not located in a known functional domain (UniProt). Based on currently available information, it is unclear whether this variant is pathogenic or benign. We consider it to be a variant of uncertain significance.

NM_000059.4(BRCA2):c.3407_3414delinsCATTGCAC (p.Ile1136_Gln1138delinsThrLeuHis)

Gene: BRCA2 (BRCA2 DNA repair associated; plus strand). Cytogenetic location: 13q13.1.
Variant type: Indel.
Coding change: c.3407_3414delinsCATTGCAC on transcript NM_000059.4 (MANE Select); coding-DNA positions 3407 to 3414, TATTGCAG replaced by CATTGCAC.
Protein change: p.Ile1136_Gln1138delinsThrLeuHis.
Molecular consequence: missense variant.
Genome position (GRCh38, 1-based): chr13:32,337,762-32,337,769, TATTGCAG replaced by CATTGCAC. VCF-style: chr13-32337762-TATTGCAG-CATTGCAC. GRCh37 (hg19) VCF-style: chr13-32911899-TATTGCAG-CATTGCAC.
Other names: c.3407_3414delTATTGCAGinsCATTGCAC (NM_000059.3).
Identifiers: ClinVar variation 418812 (VCV000418812.4), dbSNP rs1064793447, ClinGen allele CA16619696.